The following is an entry in ClinVar:

ClinVar aggregate classification (germline): Likely benign (0 of 4 stars; one submission).

Conditions:
PLXNA1-related disorder. Also called: PLXNA1-related condition.

gnomAD v4.1: 3 of 1,613,162 alleles (0.00019%); highest among the groups gnomAD compares: Admixed American, 0.005%; no homozygotes.

Submission:

PreventionGenetics, part of Exact Sciences
Classification: Likely benign for PLXNA1-related condition. Last evaluated: 2022-06-29. Review status: no assertion criteria provided. Collection method: clinical testing. Allele origin: germline.
Comment: This variant is classified as likely benign based on ACMG/AMP sequence variant interpretation guidelines (Richards et al. 2015 PMID: 25741868, with internal and published modifications).

NM_032242.4(PLXNA1):c.1077G>A (p.Leu359=)

Gene: PLXNA1 (plexin A1; plus strand). Cytogenetic location: 3q21.3.
Variant type: single nucleotide variant.
Coding change: c.1077G>A on transcript NM_032242.4 (MANE Select); coding-DNA position 1077, G replaced by A.
Protein change: p.Leu359=; no amino-acid change (leucine 359 retained).
Molecular consequence: synonymous variant.
Genome position (GRCh38, 1-based): chr3:126,989,670, G>A. VCF-style: chr3-126989670-G-A. GRCh37 (hg19) VCF-style: chr3-126708513-G-A.
Identifiers: ClinVar variation 3344461 (VCV003344461.1).